The following is an entry in ClinVar:

ClinVar aggregate classification (germline): Uncertain significance. Review status: criteria provided, multiple submitters, no conflicts (2 of 4 stars). 3 submissions from 3 submitters: Uncertain significance (3). Last evaluated 2025-08-18.

Submissions (3):

Labcorp Genetics (formerly Invitae), Labcorp
Classification: Uncertain significance. Last evaluated: 2025-08-18. Review status: criteria provided, single submitter. Criteria: Invitae Variant Classification Sherloc (09022015). Collection method: clinical testing. Allele origin: germline.
Comment: This variant, c.3527_3529del, results in the deletion of 1 amino acid(s) of the AUTS2 protein (p.Asp1176del), but otherwise preserves the integrity of the reading frame. This variant is present in population databases (rs763668824, gnomAD 0.003%). This variant has not been reported in the literature in individuals affected with AUTS2-related conditions. ClinVar contains an entry for this variant (Variation ID: 503950). Experimental studies and prediction algorithms are not available or were not evaluated, and the functional significance of this variant is currently unknown. In summary, the available evidence is currently insufficient to determine the role of this variant in disease. Therefore, it has been classified as a Variant of Uncertain Significance.

GeneDx
Classification: Uncertain significance. Last evaluated: 2025-06-10. Review status: criteria provided, single submitter. Criteria: GeneDx Variant Classification Process June 2021. Collection method: clinical testing. Allele origin: germline. Affected: yes.
Comment: In-frame deletion of 1 amino acid in a non-repeat region; In silico analysis supports a deleterious effect on protein structure/function; Has not been previously published as pathogenic or benign to our knowledge

Institute for Clinical Genetics, University Hospital TU Dresden, University Hospital TU Dresden
Classification: Uncertain significance. Last evaluated: 2021-11-03. Review status: criteria provided, single submitter. Criteria: ACMG Guidelines, 2015. Collection method: clinical testing. Allele origin: germline.

NM_015570.4(AUTS2):c.3527_3529del (p.Asp1176del)

Gene: AUTS2 (activator of transcription and developmental regulator AUTS2; plus strand). Cytogenetic location: 7q11.22.
Variant type: Deletion.
Coding change: c.3527_3529del on transcript NM_015570.4 (MANE Select); coding-DNA positions 3527 to 3529, 3 bases deleted (ACG; older notation c.3527_3529delACG).
Protein change: p.Asp1176del; deletes aspartic acid 1176.
Molecular consequence: inframe deletion.
Genome position (GRCh38, 1-based): chr7:70,790,743-70,790,745, ACG deleted; deleting any 3 consecutive bases within chr7:70,790,741-70,790,745 gives the same sequence; the c. name uses the placement nearest the transcript's 3' end. VCF-style (leftmost placement, unchanged base first): chr7-70790740-TCGA-T. GRCh37 (hg19) VCF-style: chr7-70255726-TCGA-T.
Other names: c.3455_3457del, p.Asp1152del (NM_001127231.3); c.3527_3529delACG (NM_015570.2); short protein forms D1176del, D1152del.
Identifiers: ClinVar variation 503950 (VCV000503950.9), dbSNP rs763668824, ClinGen allele CA4281363.
Genomic context (GRCh38, chr7:70,790,740, plus strand): 5'-TGCACATGCTCAGAGAAGACTACGAGCACACGCGGCTCCACTCCGTGCACCCCGCCTCCC[TCGA>T]CGGACACCTCCCCCACCCCAGCCTCATCACCCCGGGACTCCCCAGCATGCACTATCCCCG-3'